The following is an entry in ClinVar:

ClinVar aggregate classification (germline): Uncertain significance (1 of 4 stars; one submission).

Conditions:
Alzheimer disease 4 (AD4). Identifiers: Orphanet 1020, MedGen C1847200, MONDO:0011743, OMIM 606889.

gnomAD v4.1: 4 of 1,613,850 alleles (0.00025%); highest among the groups gnomAD compares: East Asian, 0.0089%; no homozygotes.

Submission:

Labcorp Genetics (formerly Invitae), Labcorp
Classification: Uncertain significance for Alzheimer disease 4. Last evaluated: 2024-08-19. Review status: criteria provided, single submitter. Criteria: Invitae Variant Classification Sherloc (09022015). Collection method: clinical testing. Allele origin: germline.
Comment: This sequence change replaces lysine, which is basic and polar, with arginine, which is basic and polar, at codon 271 of the PSEN2 protein (p.Lys271Arg). This variant is present in population databases (no rsID available, gnomAD 0.01%). This variant has not been reported in the literature in individuals affected with PSEN2-related conditions. Invitae Evidence Modeling of protein sequence and biophysical properties (such as structural, functional, and spatial information, amino acid conservation, physicochemical variation, residue mobility, and thermodynamic stability) indicates that this missense variant is not expected to disrupt PSEN2 protein function with a negative predictive value of 80%. In summary, the available evidence is currently insufficient to determine the role of this variant in disease. Therefore, it has been classified as a Variant of Uncertain Significance.

NM_000447.3(PSEN2):c.812A>G (p.Lys271Arg)

Gene: PSEN2 (presenilin 2; plus strand). Cytogenetic location: 1q42.13.
Variant type: single nucleotide variant.
Coding change: c.812A>G on transcript NM_000447.3 (MANE Select); coding-DNA position 812, A replaced by G.
Protein change: p.Lys271Arg; replaces lysine 271 with arginine.
Molecular consequence: missense variant.
Genome position (GRCh38, 1-based): chr1:226,890,059, A>G. VCF-style: chr1-226890059-A-G. GRCh37 (hg19) VCF-style: chr1-227077760-A-G.
Other names: c.812A>G, p.Lys271Arg (NM_012486.3); short protein forms K271R.
Identifiers: ClinVar variation 3719964 (VCV003719964.2).